The following is an entry in ClinVar:

NM_004006.3(DMD):c.8781A>T (p.Arg2927Ser)

Gene: DMD (dystrophin; minus strand). Cytogenetic location: Xp21.2.
Variant type: single nucleotide variant.
Coding change: c.8781A>T on transcript NM_004006.3 (MANE Select); coding-DNA position 8781, A replaced by T.
Protein change: p.Arg2927Ser; replaces arginine 2927 with serine.
Molecular consequence: missense variant.
Genome position (GRCh38, 1-based): chrX:31,478,262, T>A on the plus strand (A>T on the coding strand, the complement: DMD is on the minus strand). VCF-style: chrX-31478262-T-A. GRCh37 (hg19) VCF-style: chrX-31496379-T-A.
Other names: c.8781A>T (NM_004006.2); c.8757A>T, p.Arg2919Ser (NM_000109.4); c.8769A>T, p.Arg2923Ser (NM_004009.3); c.8412A>T, p.Arg2804Ser (NM_004010.3); c.4758A>T, p.Arg1586Ser (NM_004011.4); c.4749A>T, p.Arg1583Ser (NM_004012.4); c.1401A>T, p.Arg467Ser (NM_004013.3, NM_004020.4, NM_004021.3 and 2 more transcripts); c.594A>T, p.Arg198Ser (NM_004014.3); short protein forms R1583S, R198S, R2919S, R2923S, R1586S, R2804S, R467S, R2927S.
Identifiers: ClinVar variation 1468756 (VCV001468756.11), dbSNP rs976735204, ClinGen allele CA412654170.

ClinVar aggregate classification (germline): Uncertain significance. Review status: criteria provided, multiple submitters, no conflicts (2 of 4 stars). 2 submissions from 2 submitters: Uncertain significance (2). Last evaluated 2022-08-23.

Conditions:
Duchenne muscular dystrophy (DMD). Also called: Duchenne Muscular Dystrophy (DMD); MUSCULAR DYSTROPHY, PSEUDOHYPERTROPHIC PROGRESSIVE, DUCHENNE TYPE. Identifiers: Orphanet 98896, MedGen C0013264, MONDO:0010679, OMIM 310200.

Submissions (2):

Labcorp Genetics (formerly Invitae), Labcorp
Classification: Uncertain significance for Duchenne muscular dystrophy. Last evaluated: 2022-08-23. Review status: criteria provided, single submitter. Criteria: Invitae Variant Classification Sherloc (09022015). Collection method: clinical testing. Allele origin: germline.
Comment: In summary, the available evidence is currently insufficient to determine the role of this variant in disease. Therefore, it has been classified as a Variant of Uncertain Significance. Algorithms developed to predict the effect of missense changes on protein structure and function are either unavailable or do not agree on the potential impact of this missense change (SIFT: "Deleterious"; PolyPhen-2: "Benign"; Align-GVGD: "Class C25"). ClinVar contains an entry for this variant (Variation ID: 1468756). This variant has not been reported in the literature in individuals affected with DMD-related conditions. This variant is not present in population databases (gnomAD no frequency). This sequence change replaces arginine, which is basic and polar, with serine, which is neutral and polar, at codon 2927 of the DMD protein (p.Arg2927Ser).

Revvity Omics, Revvity
Classification: Uncertain significance. Last evaluated: 2020-09-02. Review status: criteria provided, single submitter. Criteria: ACMG Guidelines, 2015. Collection method: clinical testing. Allele origin: germline.